The following is an entry in ClinVar:

NM_000483.5(APOC2):c.226A>C (p.Ser76Arg)

Genes: APOC2 (apolipoprotein C2; plus strand), APOC4-APOC2 (APOC4-APOC2 readthrough (NMD candidate); plus strand). Cytogenetic location: 19q13.32.
Variant type: single nucleotide variant.
Coding change: c.226A>C on transcript NM_000483.5 (MANE Select); coding-DNA position 226, A replaced by C.
Protein change: p.Ser76Arg; replaces serine 76 with arginine.
Molecular consequence: missense variant. On other transcripts: non-coding transcript variant (1).
Genome position (GRCh38, 1-based): chr19:44,949,169, A>C. VCF-style: chr19-44949169-A-C. GRCh37 (hg19) VCF-style: chr19-45452426-A-C.
Other names: short protein forms S76R.
Identifiers: ClinVar variation 3417575 (VCV003417575.1).
Genomic context (GRCh38, chr19:44,949,169, plus strand): 5'-TCCAGGCCCCCAGCCCCTCCTCCCTCTAACCATCTGTGCTTTCTCCCCAGGGACTTGTAC[A>C]GCAAAAGCACAGCAGCCATGAGCACTTACACAGGCATTTTTACTGACCAAGTTCTTTCTG-3'
Protein context (NP_000474.2, residues 66-86): AVDEKLRDLY[Ser76Arg]KSTAAMSTYT

ClinVar aggregate classification (germline): Uncertain significance (1 of 4 stars; one submission).

Conditions:
Cardiovascular phenotype. Identifiers: MedGen CN230736.

Submission:

Ambry Genetics
Classification: Uncertain significance for Cardiovascular phenotype. Last evaluated: 2024-12-05. Review status: criteria provided, single submitter. Criteria: Ambry Variant Classification Scheme 2023. Collection method: clinical testing. Allele origin: germline.
Comment: The p.S76R variant (also known as c.226A>C), located in coding exon 3 of the APOC2 gene, results from an A to C substitution at nucleotide position 226. The serine at codon 76 is replaced by arginine, an amino acid with dissimilar properties. This amino acid position is well conserved in available vertebrate species. In addition, the in silico prediction for this alteration is inconclusive. Based on the available evidence, the clinical significance of this variant remains unclear.